The following is an entry in ClinVar:

NM_007373.4(SHOC2):c.1481C>A (p.Thr494Asn)

Gene: SHOC2 (SHOC2 leucine rich repeat scaffold protein; plus strand). Cytogenetic location: 10q25.2.
Variant type: single nucleotide variant.
Coding change: c.1481C>A on transcript NM_007373.4 (MANE Select); coding-DNA position 1481, C replaced by A.
Protein change: p.Thr494Asn; replaces threonine 494 with asparagine.
Molecular consequence: missense variant. On other transcripts: non-coding transcript variant (1).
Genome position (GRCh38, 1-based): chr10:111,009,771, C>A. VCF-style: chr10-111009771-C-A. GRCh37 (hg19) VCF-style: chr10-112769529-C-A.
Other names: c.1343C>A, p.Thr448Asn (NM_001269039.3); c.1481C>A, p.Thr494Asn (NM_001324336.2, NM_001324337.2); short protein forms T448N, T494N.
Identifiers: ClinVar variation 845617 (VCV000845617.10), dbSNP rs758241851, ClinGen allele CA5689787.

ClinVar aggregate classification (germline): Conflicting classifications of pathogenicity. Review status: criteria provided, conflicting classifications (1 of 4 stars). 2 submissions from 2 submitters: Uncertain significance (1); Likely benign (1). Last evaluated 2025-11-19.

Conditions:
RASopathy. Also called: Noonan spectrum disorder; rasopathies. Identifiers: Orphanet 536391, MedGen C5555857, MONDO:0021060.

Allele frequency attached by ClinVar (database versions not stated): gnomAD below 0.00001 and 0.00002; TOPMed 0.00001.
gnomAD v4.1: 38 of 1,613,356 alleles (0.0024%); highest among the groups gnomAD compares: South Asian, 0.041%; no homozygotes.

Submissions (2):

Labcorp Genetics (formerly Invitae), Labcorp
Classification: Uncertain significance for RASopathy. Last evaluated: 2025-11-19. Review status: criteria provided, single submitter. Criteria: Invitae Variant Classification Sherloc (09022015). Collection method: clinical testing. Allele origin: germline.
Comment: This sequence change replaces threonine, which is neutral and polar, with asparagine, which is neutral and polar, at codon 494 of the SHOC2 protein (p.Thr494Asn). This variant is present in population databases (rs758241851, gnomAD 0.05%), and has an allele count higher than expected for a pathogenic variant. This variant has not been reported in the literature in individuals affected with SHOC2-related conditions. ClinVar contains an entry for this variant (Variation ID: 845617). Invitae Evidence Modeling of protein sequence and biophysical properties (such as structural, functional, and spatial information, amino acid conservation, physicochemical variation, residue mobility, and thermodynamic stability) indicates that this missense variant is not expected to disrupt SHOC2 protein function with a negative predictive value of 80%. In summary, the available evidence is currently insufficient to determine the role of this variant in disease. Therefore, it has been classified as a Variant of Uncertain Significance.

Women's Health and Genetics/Laboratory Corporation of America, LabCorp
Classification: Likely benign. Last evaluated: 2021-05-02. Review status: criteria provided, single submitter. Criteria: LabCorp Variant Classification Summary - May 2015. Collection method: clinical testing. Allele origin: germline.
Comment: Variant summary: SHOC2 c.1481C>A (p.Thr494Asn) results in a non-conservative amino acid change in the encoded protein sequence. Three of five in-silico tools predict a benign effect of the variant on protein function. The variant allele was found at a frequency of 5.6e-05 in 251388 control chromosomes, predominantly at a frequency of 0.00042 within the South Asian subpopulation in the gnomAD database. The observed variant frequency within South Asian control individuals in the gnomAD database is approximately 17 fold of the estimated maximal expected allele frequency for a pathogenic variant in SHOC2 causing Noonan Syndrome With Loose Anagen Hair phenotype (2.5e-05), strongly suggesting that the variant is a benign polymorphism found primarily in populations of South Asian origin. To our knowledge, no occurrence of c.1481C>A in individuals affected with Noonan Syndrome With Loose Anagen Hair and no experimental evidence demonstrating its impact on protein function have been reported. One clinical diagnostic laboratory has submitted clinical-significance assessments for this variant to ClinVar after 2014 without evidence for independent evaluation and classified the variant as uncertain significance. Based on the evidence outlined above, the variant was classified as likely benign.